The following is an entry in ClinVar:

ClinVar aggregate classification (germline): Uncertain significance (1 of 4 stars; one submission).

Allele frequency attached by ClinVar (database versions not stated): TOPMed below 0.00001; ExAC 0.00001; gnomAD exomes 0.00001.
gnomAD v4.1: 8 of 1,613,076 alleles (0.0005%); highest among the groups gnomAD compares: African/African-American, 0.0027%; no homozygotes.

Submission:

Labcorp Genetics (formerly Invitae), Labcorp
Classification: Uncertain significance. Last evaluated: 2023-11-11. Review status: criteria provided, single submitter. Criteria: Invitae Variant Classification Sherloc (09022015). Collection method: clinical testing. Allele origin: germline.
Comment: This sequence change replaces glutamic acid, which is acidic and polar, with lysine, which is basic and polar, at codon 1639 of the PCLO protein (p.Glu1639Lys). This variant is present in population databases (rs768994351, gnomAD 0.008%). This variant has not been reported in the literature in individuals affected with PCLO-related conditions. ClinVar contains an entry for this variant (Variation ID: 1514449). Experimental studies and prediction algorithms are not available or were not evaluated, and the functional significance of this variant is currently unknown. In summary, the available evidence is currently insufficient to determine the role of this variant in disease. Therefore, it has been classified as a Variant of Uncertain Significance.

NM_033026.6(PCLO):c.4915G>A (p.Glu1639Lys)

Gene: PCLO (piccolo presynaptic cytomatrix protein; minus strand). Cytogenetic location: 7q21.11.
Variant type: single nucleotide variant.
Coding change: c.4915G>A on transcript NM_033026.6 (MANE Select); coding-DNA position 4915, G replaced by A.
Protein change: p.Glu1639Lys; replaces glutamic acid 1639 with lysine.
Molecular consequence: missense variant.
Genome position (GRCh38, 1-based): chr7:82,956,038, C>T on the plus strand (G>A on the coding strand, the complement: PCLO is on the minus strand). VCF-style: chr7-82956038-C-T. GRCh37 (hg19) VCF-style: chr7-82585354-C-T.
Other names: c.4915G>A, p.Glu1639Lys (NM_014510.3); short protein forms E1639K.
Identifiers: ClinVar variation 1514449 (VCV001514449.8), dbSNP rs768994351, ClinGen allele CA4320738.